The following is an entry in ClinVar:

ClinVar aggregate classification (germline): Likely benign. Review status: criteria provided, multiple submitters, no conflicts (2 of 4 stars). 4 submissions from 4 submitters: Likely benign (4). Last evaluated 2026-07-23.

Conditions:
DK1-congenital disorder of glycosylation. Also called: DOLK-congenital disorder of glycosylation; Carbohydrate deficient glycoprotein syndrome type 1m; CONGENITAL DISORDER OF GLYCOSYLATION, TYPE Im; CDG Im; DK1 DEFICIENCY; DOLICHOL KINASE DEFICIENCY. Identifiers: Orphanet 91131, MedGen C1835849, MONDO:0012556, OMIM 610768.
DOLK-related disorder. Also called: DOLK-related condition.
Cardiovascular phenotype. Identifiers: MedGen CN230736.

Allele frequency attached by ClinVar (database versions not stated): gnomAD 0.00003 and 0.00004; TOPMed 0.00007; ESP Exome Variant Server 0.00008.

Submissions (4):

PreventionGenetics, part of Exact Sciences
Classification: Likely benign for DOLK-related condition. Last evaluated: 2026-07-23. Review status: criteria provided, single submitter. Criteria: ACMG Guidelines, 2015. Collection method: clinical testing. Allele origin: germline.
Comment: This variant is classified as likely benign based on ACMG/AMP sequence variant interpretation guidelines (Richards et al. 2015 PMID: 25741868, with internal and published modifications).

Labcorp Genetics (formerly Invitae), Labcorp
Classification: Likely benign for DK1-congenital disorder of glycosylation. Last evaluated: 2025-10-27. Review status: criteria provided, single submitter. Criteria: Invitae Variant Classification Sherloc (09022015). Collection method: clinical testing. Allele origin: germline.

Blueprint Genetics
Classification: Likely benign. Last evaluated: 2023-07-27. Review status: criteria provided, single submitter. Criteria: ACMG Guidelines, 2015. Collection method: clinical testing. Allele origin: germline.

Ambry Genetics
Classification: Likely benign for Cardiovascular phenotype. Last evaluated: 2019-08-14. Review status: criteria provided, single submitter. Criteria: Ambry Variant Classification Scheme 2023. Collection method: clinical testing. Allele origin: germline.

NM_014908.4(DOLK):c.114A>G (p.Val38=)

Gene: DOLK (dolichol kinase; minus strand). Cytogenetic location: 9q34.11.
Variant type: single nucleotide variant.
Coding change: c.114A>G on transcript NM_014908.4 (MANE Select); coding-DNA position 114, A replaced by G.
Protein change: p.Val38=; no amino-acid change (valine 38 retained).
Molecular consequence: synonymous variant.
Genome position (GRCh38, 1-based): chr9:128,947,190, T>C on the plus strand (A>G on the coding strand, the complement: DOLK is on the minus strand). VCF-style: chr9-128947190-T-C. GRCh37 (hg19) VCF-style: chr9-131709469-T-C.
Identifiers: ClinVar variation 532852 (VCV000532852.16), dbSNP rs142000757, ClinGen allele CA200445556.